The following is an entry in ClinVar:

NM_001142800.2(EYS):c.3201T>A (p.Cys1067Ter)

Gene: EYS (EGF-like photoreceptor maintenance factor; minus strand). Cytogenetic location: 6q12.
Variant type: single nucleotide variant.
Coding change: c.3201T>A on transcript NM_001142800.2 (MANE Select); coding-DNA position 3201, T replaced by A.
Protein change: p.Cys1067Ter; replaces cysteine 1067 with a stop codon.
Molecular consequence: nonsense.
Genome position (GRCh38, 1-based): chr6:64,821,687, A>T on the plus strand (T>A on the coding strand, the complement: EYS is on the minus strand). VCF-style: chr6-64821687-A-T. GRCh37 (hg19) VCF-style: chr6-65531580-A-T.
Other names: c.3201T>A, p.Cys1067Ter (NM_001292009.2); short protein forms C1067*.
Identifiers: ClinVar variation 1379321 (VCV001379321.6), dbSNP rs2150021992, ClinGen allele CA364787226.

ClinVar aggregate classification (germline): Pathogenic (1 of 4 stars; one submission).

Submission:

Labcorp Genetics (formerly Invitae), Labcorp
Classification: Pathogenic. Last evaluated: 2023-04-07. Review status: criteria provided, single submitter. Criteria: Invitae Variant Classification Sherloc (09022015). Collection method: clinical testing. Allele origin: germline.
Comment: For these reasons, this variant has been classified as Pathogenic. ClinVar contains an entry for this variant (Variation ID: 1379321). This variant has not been reported in the literature in individuals affected with EYS-related conditions. This variant is not present in population databases (gnomAD no frequency). This sequence change creates a premature translational stop signal (p.Cys1067*) in the EYS gene. It is expected to result in an absent or disrupted protein product. Loss-of-function variants in EYS are known to be pathogenic (PMID: 18836446, 20333770).

Literature cited by the submitters: PubMed 18836446; PubMed 20333770.